The following is an entry in ClinVar:

ClinVar aggregate classification (germline): Uncertain significance (1 of 4 stars; one submission).

Allele frequency attached by ClinVar (database versions not stated): gnomAD exomes below 0.00001.

Submission:

Labcorp Genetics (formerly Invitae), Labcorp
Classification: Uncertain significance. Last evaluated: 2024-02-17. Review status: criteria provided, single submitter. Criteria: Invitae Variant Classification Sherloc (09022015). Collection method: clinical testing. Allele origin: germline.
Comment: This sequence change replaces phenylalanine, which is neutral and non-polar, with valine, which is neutral and non-polar, at codon 346 of the PLOD2 protein (p.Phe346Val). This variant is present in population databases (no rsID available, gnomAD 0.001%). This variant has not been reported in the literature in individuals affected with PLOD2-related conditions. ClinVar contains an entry for this variant (Variation ID: 1442443). Advanced modeling of protein sequence and biophysical properties (such as structural, functional, and spatial information, amino acid conservation, physicochemical variation, residue mobility, and thermodynamic stability) performed at Invitae indicates that this missense variant is expected to disrupt PLOD2 protein function with a positive predictive value of 80%. In summary, the available evidence is currently insufficient to determine the role of this variant in disease. Therefore, it has been classified as a Variant of Uncertain Significance.

NM_182943.3(PLOD2):c.1036T>G (p.Phe346Val)

Gene: PLOD2 (procollagen-lysine,2-oxoglutarate 5-dioxygenase 2; minus strand). Cytogenetic location: 3q24.
Variant type: single nucleotide variant.
Coding change: c.1036T>G on transcript NM_182943.3 (MANE Select); coding-DNA position 1036, T replaced by G.
Protein change: p.Phe346Val; replaces phenylalanine 346 with valine.
Molecular consequence: missense variant.
Genome position (GRCh38, 1-based): chr3:146,086,878, A>C on the plus strand (T>G on the coding strand, the complement: PLOD2 is on the minus strand). VCF-style: chr3-146086878-A-C. GRCh37 (hg19) VCF-style: chr3-145804665-A-C.
Other names: c.1036T>G, p.Phe346Val (NM_000935.3); short protein forms F346V.
Identifiers: ClinVar variation 1442443 (VCV001442443.6), dbSNP rs1559840306, ClinGen allele CA354891823.